The following is an entry in ClinVar:

NM_002778.4(PSAP):c.553C>T (p.Pro185Ser)

Gene: PSAP (prosaposin; minus strand). Cytogenetic location: 10q22.1.
Variant type: single nucleotide variant.
Coding change: c.553C>T on transcript NM_002778.4 (MANE Select); coding-DNA position 553, C replaced by T.
Protein change: p.Pro185Ser; replaces proline 185 with serine.
Molecular consequence: missense variant.
Genome position (GRCh38, 1-based): chr10:71,828,900, G>A on the plus strand (C>T on the coding strand, the complement: PSAP is on the minus strand). VCF-style: chr10-71828900-G-A. GRCh37 (hg19) VCF-style: chr10-73588657-G-A.
Other names: c.553C>T, p.Pro185Ser (NM_001042465.3, NM_001042466.3); short protein forms P185S.
Identifiers: ClinVar variation 1387991 (VCV001387991.5), dbSNP rs2133044718, ClinGen allele CA377151785.

ClinVar aggregate classification (germline): Uncertain significance (1 of 4 stars; one submission).

Conditions:
Sphingolipid activator protein 1 deficiency. Also called: METACHROMATIC LEUKODYSTROPHY DUE TO CEREBROSIDE SULFATASE ACTIVATOR DEFICIENCY; Saposin B Deficiency; Metachromatic leukodystrophy due to saposin B deficiency. Identifiers: Orphanet 512, MedGen C0268262, MONDO:0009590, OMIM 249900.

Allele frequency attached by ClinVar (database versions not stated): gnomAD exomes below 0.00001.
gnomAD v4.1: 1 of 1,614,080 alleles (0.000062%); highest among the groups gnomAD compares: East Asian, 0.0022%; no homozygotes.

Submission:

Labcorp Genetics (formerly Invitae), Labcorp
Classification: Uncertain significance for Sphingolipid activator protein 1 deficiency. Last evaluated: 2025-01-06. Review status: criteria provided, single submitter. Criteria: Invitae Variant Classification Sherloc (09022015). Collection method: clinical testing. Allele origin: germline.
Comment: This sequence change replaces proline, which is neutral and non-polar, with serine, which is neutral and polar, at codon 185 of the PSAP protein (p.Pro185Ser). This variant is not present in population databases (gnomAD no frequency). This variant has not been reported in the literature in individuals affected with PSAP-related conditions. ClinVar contains an entry for this variant (Variation ID: 1387991). Invitae Evidence Modeling of protein sequence and biophysical properties (such as structural, functional, and spatial information, amino acid conservation, physicochemical variation, residue mobility, and thermodynamic stability) indicates that this missense variant is not expected to disrupt PSAP protein function with a negative predictive value of 95%. In summary, the available evidence is currently insufficient to determine the role of this variant in disease. Therefore, it has been classified as a Variant of Uncertain Significance.